The following is an entry in ClinVar:

NM_001370595.2(COA8):c.197G>A (p.Arg66Gln)

Gene: COA8 (cytochrome c oxidase assembly factor 8; plus strand). Cytogenetic location: 14q32.33.
Variant type: single nucleotide variant.
Coding change: c.197G>A on transcript NM_001370595.2 (MANE Select); coding-DNA position 197, G replaced by A.
Protein change: p.Arg66Gln; replaces arginine 66 with glutamine.
Molecular consequence: missense variant. On other transcripts: non-coding transcript variant (2).
Genome position (GRCh38, 1-based): chr14:103,571,696, G>A. VCF-style: chr14-103571696-G-A. GRCh37 (hg19) VCF-style: chr14-104038033-G-A.
Other names: NM_001302652.2:c.197G>A; c.236G>A (NM_032374.3); c.197G>A, p.Arg66Gln (NM_001302653.2, NM_001302654.2); short protein forms R66Q.
Identifiers: ClinVar variation 1681863 (VCV001681863.9), dbSNP rs751876490, ClinGen allele CA7365475.

ClinVar aggregate classification (germline): Uncertain significance. Review status: criteria provided, multiple submitters, no conflicts (2 of 4 stars). 4 submissions from 4 submitters: Uncertain significance (4). Last evaluated 2024-11-14.

Conditions:
Mitochondrial complex IV deficiency, nuclear type 17. Also called: Mitochondrial complex 4 deficiency, nuclear type 17. Identifiers: MedGen C5436718, MONDO:0033652, OMIM 619061.
Inborn genetic diseases. Identifiers: MedGen C0950123, MeSH D030342.

Allele frequency attached by ClinVar (database versions not stated): ExAC 0.00005; gnomAD exomes 0.00006 and 0.00008; gnomAD 0.00007 and 0.00008; TOPMed 0.00008.
gnomAD v4.1: 99 of 1,613,926 alleles (0.0061%); highest among the groups gnomAD compares: Non-Finnish European, 0.0076%; 1 homozygote.

Submissions (4):

Blueprint Genetics
Classification: Uncertain significance. Last evaluated: 2024-11-14. Review status: criteria provided, single submitter. Criteria: ACMG Guidelines, 2015. Collection method: clinical testing. Allele origin: germline.

Labcorp Genetics (formerly Invitae), Labcorp
Classification: Uncertain significance. Last evaluated: 2024-01-02. Review status: criteria provided, single submitter. Criteria: Invitae Variant Classification Sherloc (09022015). Collection method: clinical testing. Allele origin: germline.
Comment: This sequence change replaces arginine, which is basic and polar, with glutamine, which is neutral and polar, at codon 79 of the APOPT1 protein (p.Arg79Gln). This variant is present in population databases (rs751876490, gnomAD 0.01%). This variant has not been reported in the literature in individuals affected with APOPT1-related conditions. ClinVar contains an entry for this variant (Variation ID: 1681863). An algorithm developed to predict the effect of missense changes on protein structure and function (PolyPhen-2) suggests that this variant is likely to be disruptive. In summary, the available evidence is currently insufficient to determine the role of this variant in disease. Therefore, it has been classified as a Variant of Uncertain Significance.

Ambry Genetics
Classification: Uncertain significance for Inborn genetic diseases. Last evaluated: 2023-12-26. Review status: criteria provided, single submitter. Criteria: Ambry Variant Classification Scheme 2023. Collection method: clinical testing. Allele origin: germline.

Fulgent Genetics
Classification: Uncertain significance for Mitochondrial complex IV deficiency, nuclear type 17. Last evaluated: 2022-01-26. Review status: criteria provided, single submitter. Criteria: ACMG Guidelines, 2015. Collection method: clinical testing. Allele origin: unknown.